The following is an entry in ClinVar:

ClinVar aggregate classification (germline): Uncertain significance. Review status: criteria provided, multiple submitters, no conflicts (2 of 4 stars). 4 submissions from 4 submitters: Uncertain significance (4). Last evaluated 2024-01-15.

Conditions:
Pyridoxine-dependent epilepsy (EPEO4). Also called: Pyridoxine-Dependent Seizures; EPILEPSY, EARLY-ONSET, 4, VITAMIN B6-DEPENDENT; PYRIDOXINE DEPENDENCY WITH SEIZURES; Pyridoxine-Dependent Epilepsy - ALDH7A1. Identifiers: Orphanet 3006, MedGen C1849508, MONDO:0009945, OMIM 266100. Disease mechanism: loss of function.

Allele frequency attached by ClinVar (database versions not stated): ExAC 0.00001; gnomAD 0.00001; gnomAD exomes 0.00002; TOPMed 0.00006; ESP Exome Variant Server 0.00008.
gnomAD v4.1: 29 of 1,610,112 alleles (0.0018%); highest among the groups gnomAD compares: Middle Eastern, 0.016%; no homozygotes.

Submissions (4):

Labcorp Genetics (formerly Invitae), Labcorp
Classification: Uncertain significance for Pyridoxine-dependent epilepsy. Last evaluated: 2024-01-15. Review status: criteria provided, single submitter. Criteria: Invitae Variant Classification Sherloc (09022015). Collection method: clinical testing. Allele origin: germline.
Comment: This sequence change replaces proline, which is neutral and non-polar, with serine, which is neutral and polar, at codon 365 of the ALDH7A1 protein (p.Pro365Ser). This variant is present in population databases (rs370869432, gnomAD 0.007%). This variant has not been reported in the literature in individuals affected with ALDH7A1-related conditions. ClinVar contains an entry for this variant (Variation ID: 386187). Algorithms developed to predict the effect of missense changes on protein structure and function output the following: SIFT: "Not Available"; PolyPhen-2: "Benign"; Align-GVGD: "Not Available". The serine amino acid residue is found in multiple mammalian species, which suggests that this missense change does not adversely affect protein function. In summary, the available evidence is currently insufficient to determine the role of this variant in disease. Therefore, it has been classified as a Variant of Uncertain Significance.

Genome-Nilou Lab
Classification: Uncertain significance for Pyridoxine-dependent epilepsy. Last evaluated: 2023-04-11. Review status: criteria provided, single submitter. Criteria: ACMG Guidelines, 2015. Collection method: clinical testing. Allele origin: germline. Affected: no.

Blueprint Genetics
Classification: Uncertain significance. Last evaluated: 2019-06-24. Review status: criteria provided, single submitter. Criteria: ACMG Guidelines, 2015. Collection method: clinical testing. Allele origin: germline.

GeneDx
Classification: Uncertain significance. Last evaluated: 2016-05-18. Review status: criteria provided, single submitter. Criteria: GeneDx Variant Classification (06012015). Collection method: clinical testing. Allele origin: germline. Affected: yes.
Comment: A variant of uncertain significance has been identified in the ALDH7A1 gene. The P365S variant hasnot been published as a pathogenic variant, nor has it been reported as a benign variant to ourknowledge. The P365S variant was not observed with any significant frequency in approximately6,500 individuals of European and African American ancestry in the NHLBI Exome SequencingProject. The P365S variant is a non-conservative amino acid substitution, which is likely to impactsecondary protein structure as these residues differ in polarity, charge, size and/or other properties.However, this substitution occurs at a position that is not conserved. In silico analysis is inconsistentin its predictions as to whether or not the variant is damaging to the protein structure/function.Therefore, based on the currently available information, it is unclear whether this variant is apathogenic variant or a rare benign variant.

NM_001182.5(ALDH7A1):c.1093C>T (p.Pro365Ser)

Gene: ALDH7A1 (aldehyde dehydrogenase 7 family member A1; minus strand). Cytogenetic location: 5q23.2.
Variant type: single nucleotide variant.
Coding change: c.1093C>T on transcript NM_001182.5 (MANE Select); coding-DNA position 1093, C replaced by T.
Protein change: p.Pro365Ser; replaces proline 365 with serine.
Molecular consequence: missense variant. On other transcripts: intron variant (1).
Genome position (GRCh38, 1-based): chr5:126,555,931, G>A on the plus strand (C>T on the coding strand, the complement: ALDH7A1 is on the minus strand). VCF-style: chr5-126555931-G-A. GRCh37 (hg19) VCF-style: chr5-125891623-G-A.
Other names: c.1009C>T, p.Pro337Ser (NM_001201377.2); c.1008+3309C>T (NM_001202404.2); short protein forms P365S, P337S.
Identifiers: ClinVar variation 386187 (VCV000386187.11), dbSNP rs370869432, ClinGen allele CA3389538.